The following is an entry in ClinVar:

NM_000218.3(KCNQ1):c.1935C>T (p.Gly645=)

Genes: KCNQ1 (potassium voltage-gated channel subfamily Q member 1; plus strand), KCNQ1-AS1 (KCNQ1 antisense RNA 1; minus strand). Cytogenetic location: 11p15.4.
Variant type: single nucleotide variant.
Coding change: c.1935C>T on transcript NM_000218.3 (MANE Select); coding-DNA position 1935, C replaced by T.
Protein change: p.Gly645=; no amino-acid change (glycine 645 retained).
Molecular consequence: synonymous variant.
Genome position (GRCh38, 1-based): chr11:2,847,907, C>T. VCF-style: chr11-2847907-C-T. GRCh37 (hg19) VCF-style: chr11-2869137-C-T.
Other names: p.Gly645=; c.1839C>T, p.Gly613= (NM_001406836.1); c.1665C>T, p.Gly555= (NM_001406837.1); c.1395C>T, p.Gly465= (NM_001406838.1); c.447C>T, p.Gly149= (NM_001406839.1); c.1554C>T, p.Gly518= (NM_181798.2).
Identifiers: ClinVar variation 386051 (VCV000386051.19), dbSNP rs753256738, ClinGen allele CA033774.
Genomic context (GRCh38, chr11:2,847,907, plus strand): 5'-CGGCAGCGGCGGCCCCCCCAGAGAGGGCGGGGCCCACATCACCCAGCCCTGCGGCAGTGG[C>T]GGCTCCGTCGACCCTGAGCTCTTCCTGCCCAGCAACACCCTGCCCACCTACGAGCAGCTG-3'
Protein context (NP_000209.2, residues 635-655): GAHITQPCGS[Gly645=]GSVDPELFLP

ClinVar aggregate classification (germline): Likely benign. Review status: criteria provided, multiple submitters, no conflicts (2 of 4 stars). 6 submissions from 6 submitters: Likely benign (6). Last evaluated 2025-12-23.

Conditions:
Cardiovascular phenotype. Identifiers: MedGen CN230736.
Cardiac arrhythmia. Also called: Cardiac rhythm disease; Arrhythmia. Identifiers: MedGen C0003811, MONDO:0007263, HP:0011675.
Long QT syndrome (LQTS). Identifiers: MedGen C0023976, MeSH D008133, MONDO:0002442. Disease mechanism: loss of function. Inheritance: Various modes of inheritance.

Allele frequency attached by ClinVar (database versions not stated): TOPMed 0.00001; gnomAD exomes 0.00002; ExAC 0.00003.
gnomAD v4.1: 30 of 1,576,974 alleles (0.0019%); highest among the groups gnomAD compares: South Asian, 0.0035%; no homozygotes.

Submissions (6):

Labcorp Genetics (formerly Invitae), Labcorp
Classification: Likely benign for Long QT syndrome. Last evaluated: 2025-12-23. Review status: criteria provided, single submitter. Criteria: Invitae Variant Classification Sherloc (09022015). Collection method: clinical testing. Allele origin: germline.

Mayo Clinic Laboratories, Mayo Clinic
Classification: Likely benign. Last evaluated: 2025-10-08. Review status: criteria provided, single submitter. Criteria: ACMG Guidelines, 2015. Collection method: clinical testing. Allele origin: germline. Observed: 1 variant allele.
Comment: BP4, BP7, PM2_supporting

Ambry Genetics
Classification: Likely benign for Cardiovascular phenotype. Last evaluated: 2025-07-09. Review status: criteria provided, single submitter. Criteria: Ambry Variant Classification Scheme 2023. Collection method: clinical testing. Allele origin: germline.

All of Us Research Program, National Institutes of Health
Classification: Likely benign for Long QT syndrome. Last evaluated: 2024-05-14. Review status: criteria provided, single submitter. Criteria: ACMG Guidelines, 2015. Collection method: clinical testing. Allele origin: germline. Inheritance: Autosomal dominant inheritance. Observed: 6 variant alleles, 6 heterozygotes.
Comment: This study involves interpretation of variants in research participants for the purpose of population health screening. Participant phenotype was not available at the time of variant classification. Additional details can be found in publication PMID: 35346344, PMCID: PMC8962531

GeneDx
Classification: Likely benign. Last evaluated: 2020-11-20. Review status: criteria provided, single submitter. Criteria: GeneDx Variant Classification Process June 2021. Collection method: clinical testing. Allele origin: germline. Affected: yes.

Color Diagnostics, LLC DBA Color Health
Classification: Likely benign for Arrhythmia. Last evaluated: 2019-05-20. Review status: criteria provided, single submitter. Criteria: ACMG Guidelines, 2015. Collection method: clinical testing. Allele origin: germline.